The following is an entry in ClinVar:

NM_024753.5(TTC21B):c.3713G>A (p.Gly1238Glu)

Gene: TTC21B (tetratricopeptide repeat domain 21B; minus strand). Cytogenetic location: 2q24.3.
Variant type: single nucleotide variant.
Coding change: c.3713G>A on transcript NM_024753.5 (MANE Select); coding-DNA position 3713, G replaced by A.
Protein change: p.Gly1238Glu; replaces glycine 1238 with glutamic acid.
Molecular consequence: missense variant.
Genome position (GRCh38, 1-based): chr2:165,880,771, C>T on the plus strand (G>A on the coding strand, the complement: TTC21B is on the minus strand). VCF-style: chr2-165880771-C-T. GRCh37 (hg19) VCF-style: chr2-166737281-C-T.
Other names: short protein forms G1238E.
Identifiers: ClinVar variation 495337 (VCV000495337.2), dbSNP rs1294549037, ClinGen allele CA349046015.

ClinVar aggregate classification (germline): Uncertain significance. Review status: criteria provided, multiple submitters, no conflicts (2 of 4 stars). 2 submissions from 2 submitters: Uncertain significance (2). Last evaluated 2022-05-17.

Conditions:
Asphyxiating thoracic dystrophy 4 (SRTD4). Also called: SHORT-RIB THORACIC DYSPLASIA 4 WITH OR WITHOUT POLYDACTYLY; SHORT-RIB THORACIC DYSPLASIA 4. Identifiers: Orphanet 474, MedGen C3151185, MONDO:0013441, OMIM 613819.
Nephronophthisis 12 (NPHP12). Identifiers: Orphanet 655, MedGen C3151186, MONDO:0013442, OMIM 613820.

gnomAD v4.1: 3 of 1,612,770 alleles (0.00019%); highest among the groups gnomAD compares: Non-Finnish European, 0.00025%; no homozygotes.

Submissions (2):

Fulgent Genetics
Classification: Uncertain significance for Asphyxiating thoracic dystrophy 4; Nephronophthisis 12. Last evaluated: 2022-05-17. Review status: criteria provided, single submitter. Criteria: ACMG Guidelines, 2015. Collection method: clinical testing. Allele origin: unknown.

Broad Center for Mendelian Genomics, Broad Institute of MIT and Harvard
Classification: Uncertain significance for Nephronophthisis 12. Last evaluated: 2017-06-26. Review status: criteria provided, single submitter. Criteria: ACMG Guidelines, 2015. Collection method: research. Allele origin: germline. Inheritance: Autosomal recessive inheritance. Affected: yes. Observed: 1 variant allele. Study: Broad Institute Center for Mendelian Genomics (CMG).
Comment: This missense variant G1238E is absent from gnomAD and is found in trans to a pathogenic variant (P209L) and is predicted to be damaging. (PM2, PM3, PP3)